The following is an entry in ClinVar:

NM_006231.4(POLE):c.6067A>T (p.Thr2023Ser)

Gene: POLE (DNA polymerase epsilon, catalytic subunit; minus strand). Cytogenetic location: 12q24.33.
Variant type: single nucleotide variant.
Coding change: c.6067A>T on transcript NM_006231.4 (MANE Select); coding-DNA position 6067, A replaced by T.
Protein change: p.Thr2023Ser; replaces threonine 2023 with serine.
Molecular consequence: missense variant.
Genome position (GRCh38, 1-based): chr12:132,632,733, T>A on the plus strand (A>T on the coding strand, the complement: POLE is on the minus strand). VCF-style: chr12-132632733-T-A. GRCh37 (hg19) VCF-style: chr12-133209319-T-A.
Other names: short protein forms T2023S.
Identifiers: ClinVar variation 2765153 (VCV002765153.3), dbSNP rs1385486279, ClinGen allele CA387370646.
Genomic context (GRCh38, chr12:132,632,733, plus strand): 5'-CTCCGACCGCCCCCTCGGCCTCCTGGGAGAGCTGGCTGGCCCCCCTCCTCCTCACGGGGG[T>A]GCTCCCTGGAGCACTGCGCCTCAGCCCGTCCTTCATGCAGTGGTACACGGCCACGATGTA-3'
Protein context (NP_006222.2, residues 2013-2033): DGLRRSAPGS[Thr2023Ser]PVRRRGASQL

ClinVar aggregate classification (germline): Uncertain significance (1 of 4 stars; one submission).

Submission:

Labcorp Genetics (formerly Invitae), Labcorp
Classification: Uncertain significance. Last evaluated: 2023-10-04. Review status: criteria provided, single submitter. Criteria: Invitae Variant Classification Sherloc (09022015). Collection method: clinical testing. Allele origin: germline.
Comment: This sequence change replaces threonine, which is neutral and polar, with serine, which is neutral and polar, at codon 2023 of the POLE protein (p.Thr2023Ser). This variant is not present in population databases (gnomAD no frequency). This variant has not been reported in the literature in individuals affected with POLE-related conditions. An algorithm developed to predict the effect of missense changes on protein structure and function (PolyPhen-2) suggests that this variant is likely to be disruptive. In summary, the available evidence is currently insufficient to determine the role of this variant in disease. Therefore, it has been classified as a Variant of Uncertain Significance.